The following is an entry in ClinVar:

ClinVar aggregate classification (germline): Uncertain significance (1 of 4 stars; one submission).

Conditions:
Retinitis pigmentosa 73 (RP73). Identifiers: Orphanet 791, MedGen C4225287, MONDO:0014687, OMIM 616544.
Mucopolysaccharidosis, MPS-III-C (MPS3C). Also called: SANFILIPPO SYNDROME C; MPS III C; Mucopolysaccharidosis type IIIC (Sanfilippo C); MUCOPOLYSACCHARIDOSIS, TYPE IIIC; mucopolysaccharidosis type 3C; MPS IIIC (Sanfilippo Syndrome Type C). Identifiers: Orphanet 581, Orphanet 79271, MedGen C0086649, MONDO:0009657, OMIM 252930.

gnomAD v4.1: 5 of 1,604,480 alleles (0.00031%); highest among the groups gnomAD compares: Non-Finnish European, 0.000085%; no homozygotes.

Submission:

Labcorp Genetics (formerly Invitae), Labcorp
Classification: Uncertain significance for Retinitis pigmentosa 73; Mucopolysaccharidosis, MPS-III-C. Last evaluated: 2022-10-03. Review status: criteria provided, single submitter. Criteria: Invitae Variant Classification Sherloc (09022015). Collection method: clinical testing. Allele origin: germline.
Comment: In summary, the available evidence is currently insufficient to determine the role of this variant in disease. Therefore, it has been classified as a Variant of Uncertain Significance. Algorithms developed to predict the effect of sequence changes on RNA splicing suggest that this variant may create or strengthen a splice site. This variant has not been reported in the literature in individuals affected with HGSNAT-related conditions. This variant is not present in population databases (gnomAD no frequency). This sequence change affects codon 584 of the HGSNAT mRNA. It is a 'silent' change, meaning that it does not change the encoded amino acid sequence of the HGSNAT protein.

NM_152419.3(HGSNAT):c.1752C>A (p.Val584=)

Gene: HGSNAT (heparan-alpha-glucosaminide N-acetyltransferase; plus strand). Cytogenetic location: 8p11.21.
Variant type: single nucleotide variant.
Coding change: c.1752C>A on transcript NM_152419.3 (MANE Select); coding-DNA position 1752, C replaced by A.
Protein change: p.Val584=; no amino-acid change (valine 584 retained).
Molecular consequence: synonymous variant.
Genome position (GRCh38, 1-based): chr8:43,199,413, C>A. VCF-style: chr8-43199413-C-A. GRCh37 (hg19) VCF-style: chr8-43054556-C-A.
Other names: c.1839C>A, p.Val613= (NM_001363227.2); c.1560C>A, p.Val520= (NM_001363228.2); c.888C>A, p.Val296= (NM_001363229.2).
Identifiers: ClinVar variation 1935308 (VCV001935308.5), dbSNP rs200678234, ClinGen allele CA460580561.